The following is an entry in ClinVar:

ClinVar aggregate classification (germline): Uncertain significance (1 of 4 stars; one submission).

Allele frequency attached by ClinVar (database versions not stated): gnomAD exomes below 0.00001; gnomAD 0.00001; TOPMed 0.00002.
gnomAD v4.1: 4 of 1,613,596 alleles (0.00025%); highest among the groups gnomAD compares: Admixed American, 0.005%; no homozygotes.

Submission:

Labcorp Genetics (formerly Invitae), Labcorp
Classification: Uncertain significance. Last evaluated: 2022-05-19. Review status: criteria provided, single submitter. Criteria: Invitae Variant Classification Sherloc (09022015). Collection method: clinical testing. Allele origin: germline.
Comment: In summary, the available evidence is currently insufficient to determine the role of this variant in disease. Therefore, it has been classified as a Variant of Uncertain Significance. Variants that disrupt the consensus splice site are a relatively common cause of aberrant splicing (PMID: 17576681, 9536098). Algorithms developed to predict the effect of sequence changes on RNA splicing suggest that this variant is not likely to affect RNA splicing. This variant has not been reported in the literature in individuals affected with POGLUT1-related conditions. This variant is present in population databases (no rsID available, gnomAD 0.006%). This sequence change falls in intron 4 of the POGLUT1 gene. It does not directly change the encoded amino acid sequence of the POGLUT1 protein. It affects a nucleotide within the consensus splice site.

Literature cited by the submitters: PubMed 17576681; PubMed 9536098.

NM_152305.3(POGLUT1):c.456+3A>G

Gene: POGLUT1 (protein O-glucosyltransferase 1; plus strand). Cytogenetic location: 3q13.33.
Variant type: single nucleotide variant.
Coding change: c.456+3A>G on transcript NM_152305.3 (MANE Select); 3 bases into the intron after coding-DNA position 456, A replaced by G.
Molecular consequence: intron variant.
Genome position (GRCh38, 1-based): chr3:119,477,451, A>G. VCF-style: chr3-119477451-A-G. GRCh37 (hg19) VCF-style: chr3-119196298-A-G.
Identifiers: ClinVar variation 2201058 (VCV002201058.4), dbSNP rs1477476905, ClinGen allele CA545583118.
Genomic context (GRCh38, chr3:119,477,451, plus strand): 5'-TTATCCTCAGGTTCCTAAATGGATGGAGCCTGCCATCCCAGTCTTCTCCTTCAGTAAGGT[A>G]AGTACAGGGAGAGCCACATGGGTGGATGGAGAGTGGTCCTCTAGGATATGAGCATGAGAT-3'